The following is an entry in ClinVar:

ClinVar aggregate classification (germline): Uncertain significance (1 of 4 stars; one submission).

Conditions:
Severe combined immunodeficiency due to DCLRE1C deficiency (RS-SCID). Also called: SCID, AUTOSOMAL RECESSIVE, T CELL-NEGATIVE, B CELL-NEGATIVE, NK CELL-POSITIVE, WITH SENSITIVITY TO IONIZING RADIATION. Identifiers: Orphanet 275, MedGen C1865371, MONDO:0011225, OMIM 602450.

Allele frequency attached by ClinVar (database versions not stated): gnomAD 0.00002; gnomAD exomes below 0.00001.

Submission:

Labcorp Genetics (formerly Invitae), Labcorp
Classification: Uncertain significance for Athabaskan severe combined immunodeficiency. Last evaluated: 2022-04-21. Review status: criteria provided, single submitter. Criteria: Invitae Variant Classification Sherloc (09022015). Collection method: clinical testing. Allele origin: germline.
Comment: Experimental studies and prediction algorithms are not available or were not evaluated, and the functional significance of this variant is currently unknown. This sequence change creates a premature translational stop signal (p.Lys684*) in the DCLRE1C gene. While this is not anticipated to result in nonsense mediated decay, it is expected to disrupt the last 9 amino acid(s) of the DCLRE1C protein. This variant is present in population databases (no rsID available, gnomAD 0.01%). This variant has not been reported in the literature in individuals affected with DCLRE1C-related conditions. In summary, the available evidence is currently insufficient to determine the role of this variant in disease. Therefore, it has been classified as a Variant of Uncertain Significance.

NM_001033855.3(DCLRE1C):c.2050A>T (p.Lys684Ter)

Gene: DCLRE1C (DNA cross-link repair 1C; minus strand). Cytogenetic location: 10p13.
Variant type: single nucleotide variant.
Coding change: c.2050A>T on transcript NM_001033855.3 (MANE Select); coding-DNA position 2050, A replaced by T.
Protein change: p.Lys684Ter; replaces lysine 684 with a stop codon.
Molecular consequence: nonsense. On other transcripts: non-coding transcript variant (3), intron variant (3).
Genome position (GRCh38, 1-based): chr10:14,908,437, T>A on the plus strand (A>T on the coding strand, the complement: DCLRE1C is on the minus strand). VCF-style: chr10-14908437-T-A. GRCh37 (hg19) VCF-style: chr10-14950436-T-A.
Other names: c.1690A>T, p.Lys564Ter (NM_001033857.3, NM_001033858.3, NM_001289077.2 and 1 more transcripts); c.1705A>T, p.Lys569Ter (NM_001289076.2, NM_001289078.2, NM_022487.4); c.1437+268A>T (NM_001350966.2); c.1782+268A>T (NM_001350965.2); c.1422+268A>T (NM_001350967.2); short protein forms K569*, K564*, K684*.
Identifiers: ClinVar variation 1934271 (VCV001934271.3), dbSNP rs1487199232, ClinGen allele CA376073904.